The following is an entry in ClinVar:

ClinVar aggregate classification (germline): Uncertain significance. Review status: criteria provided, multiple submitters, no conflicts (2 of 4 stars). 2 submissions from 2 submitters: Uncertain significance (2). Last evaluated 2025-11-16.

Conditions:
Hereditary cancer-predisposing syndrome. Also called: Tumor predisposition; Hereditary Cancer Syndrome; Hereditary neoplastic syndrome; Neoplastic Syndromes, Hereditary. Identifiers: Orphanet 140162, MedGen C0027672, MeSH D009386, MONDO:0015356.
Rhabdoid tumor predisposition syndrome 2 (RTPS2). Identifiers: Orphanet 231108, Orphanet 69077, MedGen C2750074, MONDO:0013224, OMIM 613325.

Submissions (2):

Labcorp Genetics (formerly Invitae), Labcorp
Classification: Uncertain significance for Rhabdoid tumor predisposition syndrome 2. Last evaluated: 2025-11-16. Review status: criteria provided, single submitter. Criteria: Invitae Variant Classification Sherloc (09022015). Collection method: clinical testing. Allele origin: germline.
Comment: This sequence change replaces histidine, which is basic and polar, with tyrosine, which is neutral and polar, at codon 40 of the SMARCA4 protein (p.His40Tyr). This variant is not present in population databases (gnomAD no frequency). This variant has not been reported in the literature in individuals affected with SMARCA4-related conditions. ClinVar contains an entry for this variant (Variation ID: 1479371). Invitae Evidence Modeling of protein sequence and biophysical properties (such as structural, functional, and spatial information, amino acid conservation, physicochemical variation, residue mobility, and thermodynamic stability) indicates that this missense variant is not expected to disrupt SMARCA4 protein function with a negative predictive value of 80%. In summary, the available evidence is currently insufficient to determine the role of this variant in disease. Therefore, it has been classified as a Variant of Uncertain Significance.

Ambry Genetics
Classification: Uncertain significance for Hereditary cancer-predisposing syndrome. Last evaluated: 2024-06-28. Review status: criteria provided, single submitter. Criteria: Ambry Variant Classification Scheme 2023. Collection method: clinical testing. Allele origin: germline.
Comment: The p.H40Y variant (also known as c.118C>T), located in coding exon 1 of the SMARCA4 gene, results from a C to T substitution at nucleotide position 118. The histidine at codon 40 is replaced by tyrosine, an amino acid with similar properties. This amino acid position is highly conserved in available vertebrate species. In addition, the in silico prediction for this alteration is inconclusive. Based on the available evidence, the clinical significance of this variant remains unclear.

NM_003072.5(SMARCA4):c.118C>T (p.His40Tyr)

Gene: SMARCA4 (SWI/SNF related BAF chromatin remodeling complex subunit ATPase 4; plus strand). Cytogenetic location: 19p13.2.
Variant type: single nucleotide variant.
Coding change: c.118C>T on transcript NM_003072.5 (MANE Select); coding-DNA position 118, C replaced by T.
Protein change: p.His40Tyr; replaces histidine 40 with tyrosine.
Molecular consequence: missense variant. On other transcripts: non-coding transcript variant (1).
Genome position (GRCh38, 1-based): chr19:10,984,269, C>T. VCF-style: chr19-10984269-C-T. GRCh37 (hg19) VCF-style: chr19-11094945-C-T.
Other names: c.118C>T, p.His40Tyr (NM_001128844.3, NM_001128845.2, NM_001128846.2 and 5 more transcripts); c.118C>T (NM_001128849.1); short protein forms H40Y.
Identifiers: ClinVar variation 1479371 (VCV001479371.9), dbSNP rs2145723792, ClinGen allele CA404054297.
Genomic context (GRCh38, chr19:10,984,269, plus strand): 5'-CCTGGCCCTTCCCCTGGAGCCATGCTGGGCCCTAGCCCGGGTCCCTCGCCGGGCTCCGCC[C>T]ACAGCATGATGGGGCCCAGCCCAGGGCCGCCCTCAGCAGGACACCCCATCCCCACCCAGG-3'
Protein context (NP_003063.2, residues 30-50): PSPGPSPGSA[His40Tyr]SMMGPSPGPP